The following is an entry in ClinVar:

ClinVar aggregate classification (germline): Uncertain significance. Review status: criteria provided, multiple submitters, no conflicts (2 of 4 stars). 3 submissions from 3 submitters: Uncertain significance (2). 1 of the submissions does not count toward it. Last evaluated 2026-03-12.

Conditions:
Cardiovascular phenotype. Identifiers: MedGen CN230736.
Dystrophin deficiency.
Cardiomyopathy (CMYO). Also called: Cardiomyopathies. Identifiers: Orphanet 167848, MedGen C0878544, MONDO:0004994, HP:0001638. Inheritance: Various modes of inheritance.
Becker muscular dystrophy (BMD). Also called: Becker Muscular Dystrophy (BMD); MUSCULAR DYSTROPHY, PSEUDOHYPERTROPHIC PROGRESSIVE, BECKER TYPE. Identifiers: Orphanet 98895, MedGen C0917713, MONDO:0010311, OMIM 300376.
Duchenne muscular dystrophy (DMD). Also called: Duchenne Muscular Dystrophy (DMD); MUSCULAR DYSTROPHY, PSEUDOHYPERTROPHIC PROGRESSIVE, DUCHENNE TYPE. Identifiers: Orphanet 98896, MedGen C0013264, MONDO:0010679, OMIM 310200.

Allele frequency attached by ClinVar (database versions not stated): TOPMed 0.00001.

Submissions (3):

Ambry Genetics
Classification: Uncertain significance for Cardiovascular phenotype. Last evaluated: 2026-03-12. Review status: criteria provided, single submitter. Criteria: Ambry Variant Classification Scheme 2023. Collection method: clinical testing. Allele origin: germline.
Comment: The p.L2023I variant (also known as c.6067C>A), located in coding exon 42 of the DMD gene, results from a C to A substitution at nucleotide position 6067. The leucine at codon 2023 is replaced by isoleucine, an amino acid with highly similar properties. This amino acid position is conserved. In addition, this alteration is predicted to be tolerated by in silico analysis. Based on the available evidence, the clinical significance of this variant remains unclear.

Labcorp Genetics (formerly Invitae), Labcorp
Classification: Uncertain significance for Duchenne muscular dystrophy. Last evaluated: 2022-02-03. Review status: criteria provided, single submitter. Criteria: Invitae Variant Classification Sherloc (09022015). Collection method: clinical testing. Allele origin: germline.
Comment: This variant is not present in population databases (gnomAD no frequency). In summary, the available evidence is currently insufficient to determine the role of this variant in disease. Therefore, it has been classified as a Variant of Uncertain Significance. Algorithms developed to predict the effect of missense changes on protein structure and function are either unavailable or do not agree on the potential impact of this missense change (SIFT: "Deleterious"; PolyPhen-2: "Possibly Damaging"; Align-GVGD: "Class C0"). ClinVar contains an entry for this variant (Variation ID: 571214). This variant has not been reported in the literature in individuals affected with DMD-related conditions. This sequence change replaces leucine, which is neutral and non-polar, with isoleucine, which is neutral and non-polar, at codon 2023 of the DMD protein (p.Leu2023Ile).

Natera, Inc.
Classification: Uncertain significance for Becker muscular dystrophy; Cardiomyopathy; Duchenne muscular dystrophy; Dystrophin deficiency. Last evaluated: 2021-03-04. Review status: no assertion criteria provided. Collection method: clinical testing. Allele origin: germline. Not counted in ClinVar's aggregate classification.

NM_004006.3(DMD):c.6067C>A (p.Leu2023Ile)

Gene: DMD (dystrophin; minus strand). Cytogenetic location: Xp21.1.
Variant type: single nucleotide variant.
Coding change: c.6067C>A on transcript NM_004006.3 (MANE Select); coding-DNA position 6067, C replaced by A.
Protein change: p.Leu2023Ile; replaces leucine 2023 with isoleucine.
Molecular consequence: missense variant.
Genome position (GRCh38, 1-based): chrX:32,310,132, G>T on the plus strand (C>A on the coding strand, the complement: DMD is on the minus strand). VCF-style: chrX-32310132-G-T. GRCh37 (hg19) VCF-style: chrX-32328249-G-T.
Other names: c.6043C>A, p.Leu2015Ile (NM_000109.4); c.6055C>A, p.Leu2019Ile (NM_004009.3); c.5698C>A, p.Leu1900Ile (NM_004010.3); c.2044C>A, p.Leu682Ile (NM_004011.4); c.2035C>A, p.Leu679Ile (NM_004012.4); short protein forms L2023I, L2019I, L679I, L682I, L1900I, L2015I.
Identifiers: ClinVar variation 571214 (VCV000571214.11), dbSNP rs869312948, ClinGen allele CA412669650.